The following is an entry in ClinVar:

NM_004612.4(TGFBR1):c.638A>G (p.Lys213Arg)

Gene: TGFBR1 (transforming growth factor beta receptor 1; plus strand). Cytogenetic location: 9q22.33.
Variant type: single nucleotide variant.
Coding change: c.638A>G on transcript NM_004612.4 (MANE Select); coding-DNA position 638, A replaced by G.
Protein change: p.Lys213Arg; replaces lysine 213 with arginine.
Molecular consequence: missense variant. On other transcripts: intron variant (2), non-coding transcript variant (4).
Genome position (GRCh38, 1-based): chr9:99,137,922, A>G. VCF-style: chr9-99137922-A-G. GRCh37 (hg19) VCF-style: chr9-101900204-A-G.
Other names: c.407A>G, p.Lys136Arg (NM_001130916.3); c.650A>G, p.Lys217Arg (NM_001306210.2, NM_001407416.1); c.638A>G, p.Lys213Arg (NM_001407417.1); c.443A>G, p.Lys148Arg (NM_001407418.1, NM_001407419.1, NM_001407420.1 and 1 more transcripts); c.575-4614A>G (NM_001407435.1); c.98-4614A>G (NM_001407437.1); c.431A>G, p.Lys144Arg (NM_001407423.1, NM_001407424.1, NM_001407425.1 and 8 more transcripts); c.392A>G, p.Lys131Arg (NM_001407436.1); and 1 more; short protein forms K131R, K136R, K144R, K148R, K213R, K217R, K54R.
Identifiers: ClinVar variation 3325715 (VCV003325715.1).

ClinVar aggregate classification (germline): Uncertain significance (1 of 4 stars; one submission).

Conditions:
Familial thoracic aortic aneurysm and aortic dissection (TAAD). Also called: Thoracic aortic aneurysms and dissections. Identifiers: Orphanet 91387, MedGen C4707243, MONDO:0019625.

Submission:

Ambry Genetics
Classification: Uncertain significance for Familial thoracic aortic aneurysm and aortic dissection. Last evaluated: 2024-06-23. Review status: criteria provided, single submitter. Criteria: Ambry Variant Classification Scheme 2023. Collection method: clinical testing. Allele origin: germline.
Comment: The p.K213R variant (also known as c.638A>G), located in coding exon 4 of the TGFBR1 gene, results from an A to G substitution at nucleotide position 638. The lysine at codon 213 is replaced by arginine, an amino acid with highly similar properties. This amino acid position is conserved. In addition, the in silico prediction for this alteration is inconclusive. Based on the available evidence, the clinical significance of this variant remains unclear.